The following is an entry in ClinVar:

NM_001035.3(RYR2):c.3215-93G>A

Gene: RYR2 (ryanodine receptor 2; plus strand). Cytogenetic location: 1q43.
Variant type: single nucleotide variant.
Coding change: c.3215-93G>A on transcript NM_001035.3 (MANE Select); 93 bases into the intron before coding-DNA position 3215, G replaced by A.
Molecular consequence: intron variant.
Genome position (GRCh38, 1-based): chr1:237,566,474, G>A. VCF-style: chr1-237566474-G-A. GRCh37 (hg19) VCF-style: chr1-237729774-G-A.
Identifiers: ClinVar variation 671750 (VCV000671750.2), dbSNP rs2248295, ClinGen allele CA10934854.

ClinVar aggregate classification (germline): Benign. Review status: criteria provided, multiple submitters, no conflicts (2 of 4 stars). 2 submissions from 2 submitters: Benign (2). Last evaluated 2018-06-15.

Allele frequency attached by ClinVar (database versions not stated): 1000 Genomes Project 30x 0.79060; 1000 Genomes Project 0.79553; TOPMed 0.80669; gnomAD 0.81402 and 0.82174; gnomAD exomes 0.92239.
gnomAD v4.1: 1,137,975 of 1,251,386 alleles (91%); highest among the groups gnomAD compares: South Asian, 94%; 522,415 homozygotes.

Submissions (2):

GeneDx
Classification: Benign. Last evaluated: 2018-06-15. Review status: criteria provided, single submitter. Criteria: GeneDx Variant Classification (06012015). Collection method: clinical testing. Allele origin: germline. Affected: yes.
Comment: This variant is considered likely benign or benign based on one or more of the following criteria: it is a conservative change, it occurs at a poorly conserved position in the protein, it is predicted to be benign by multiple in silico algorithms, and/or has population frequency not consistent with disease.

Breakthrough Genomics
Classification: Benign. Review status: criteria provided, single submitter. Criteria: ACMG Guidelines, 2015. Collection method: not provided. Allele origin: germline. Inheritance: Autosomal dominant inheritance. Affected: yes.